The following is an entry in ClinVar:

ClinVar aggregate classification (germline): Uncertain significance (1 of 4 stars; one submission).

Submission:

Labcorp Genetics (formerly Invitae), Labcorp
Classification: Uncertain significance. Last evaluated: 2022-07-17. Review status: criteria provided, single submitter. Criteria: Invitae Variant Classification Sherloc (09022015). Collection method: clinical testing. Allele origin: germline.
Comment: This sequence change replaces leucine, which is neutral and non-polar, with tryptophan, which is neutral and slightly polar, at codon 1183 of the RAI1 protein (p.Leu1183Trp). This variant is not present in population databases (gnomAD no frequency). This variant has not been reported in the literature in individuals affected with RAI1-related conditions. Algorithms developed to predict the effect of missense changes on protein structure and function are either unavailable or do not agree on the potential impact of this missense change (SIFT: "Deleterious"; PolyPhen-2: "Probably Damaging"; Align-GVGD: "Class C0"). In summary, the available evidence is currently insufficient to determine the role of this variant in disease. Therefore, it has been classified as a Variant of Uncertain Significance.

NM_030665.4(RAI1):c.3548T>G (p.Leu1183Trp)

Gene: RAI1 (retinoic acid induced 1; plus strand). Cytogenetic location: 17p11.2.
Variant type: single nucleotide variant.
Coding change: c.3548T>G on transcript NM_030665.4 (MANE Select); coding-DNA position 3548, T replaced by G.
Protein change: p.Leu1183Trp; replaces leucine 1183 with tryptophan.
Molecular consequence: missense variant.
Genome position (GRCh38, 1-based): chr17:17,796,496, T>G. VCF-style: chr17-17796496-T-G. GRCh37 (hg19) VCF-style: chr17-17699810-T-G.
Other names: short protein forms L1183W.
Identifiers: ClinVar variation 1717736 (VCV001717736.5), dbSNP rs2508587578, ClinGen allele CA398554445.
Genomic context (GRCh38, chr17:17,796,496, plus strand): 5'-CCTCTGAGGGCCGGCTCCCCAACTGCCGTGCCACCAAGAAGCTCCTCGACAACAGCCACT[T>G]GCCCGCCACATTCAAGGTCTCCAGCAGCCCCCAGAAGGAGGGCAGGGTGAGCCAGCGGGC-3'
Protein context (NP_109590.3, residues 1173-1193): ATKKLLDNSH[Leu1183Trp]PATFKVSSSP